The following is an entry in ClinVar:

NM_018706.7(DHTKD1):c.577G>A (p.Glu193Lys)

Gene: DHTKD1 (dehydrogenase E1 and transketolase domain containing 1; plus strand). Cytogenetic location: 10p14.
Variant type: single nucleotide variant.
Coding change: c.577G>A on transcript NM_018706.7 (MANE Select); coding-DNA position 577, G replaced by A.
Protein change: p.Glu193Lys; replaces glutamic acid 193 with lysine.
Molecular consequence: missense variant.
Genome position (GRCh38, 1-based): chr10:12,087,589, G>A. VCF-style: chr10-12087589-G-A. GRCh37 (hg19) VCF-style: chr10-12129588-G-A.
Other names: c.577G>A (NM_018706.5); short protein forms E193K.
Identifiers: ClinVar variation 1442199 (VCV001442199.7), dbSNP rs1052367278, ClinGen allele CA202581743.

ClinVar aggregate classification (germline): Uncertain significance. Review status: criteria provided, multiple submitters, no conflicts (2 of 4 stars). 2 submissions from 2 submitters: Uncertain significance (2). Last evaluated 2024-12-04.

Conditions:
Inborn genetic diseases. Identifiers: MedGen C0950123, MeSH D030342.
2-aminoadipic 2-oxoadipic aciduria (AAKAD). Also called: Aminoadipic aciduria; ALPHA-AMINOADIPIC AND ALPHA-KETOADIPIC ACIDURIA. Identifiers: Orphanet 79154, MedGen C1859817, MONDO:0008774, OMIM 204750.

Allele frequency attached by ClinVar (database versions not stated): gnomAD 0.00001 and 0.00003; gnomAD exomes 0.00001 and 0.00004; TOPMed 0.00003.
gnomAD v4.1: 64 of 1,613,396 alleles (0.004%); highest among the groups gnomAD compares: Non-Finnish European, 0.0048%; no homozygotes.

Submissions (2):

Labcorp Genetics (formerly Invitae), Labcorp
Classification: Uncertain significance for 2-aminoadipic 2-oxoadipic aciduria. Last evaluated: 2024-12-04. Review status: criteria provided, single submitter. Criteria: Invitae Variant Classification Sherloc (09022015). Collection method: clinical testing. Allele origin: germline.
Comment: This sequence change replaces glutamic acid, which is acidic and polar, with lysine, which is basic and polar, at codon 193 of the DHTKD1 protein (p.Glu193Lys). This variant is present in population databases (no rsID available, gnomAD 0.008%). This variant has not been reported in the literature in individuals affected with DHTKD1-related conditions. ClinVar contains an entry for this variant (Variation ID: 1442199). Invitae Evidence Modeling of protein sequence and biophysical properties (such as structural, functional, and spatial information, amino acid conservation, physicochemical variation, residue mobility, and thermodynamic stability) indicates that this missense variant is expected to disrupt DHTKD1 protein function with a positive predictive value of 80%. In summary, the available evidence is currently insufficient to determine the role of this variant in disease. Therefore, it has been classified as a Variant of Uncertain Significance.

Ambry Genetics
Classification: Uncertain significance for Inborn genetic diseases. Last evaluated: 2024-07-09. Review status: criteria provided, single submitter. Criteria: Ambry Variant Classification Scheme 2023. Collection method: clinical testing. Allele origin: germline.